The following is an entry in ClinVar:

ClinVar aggregate classification (germline): Likely pathogenic (1 of 4 stars; one submission).

Conditions:
Intellectual developmental disorder, autosomal dominant 39. Also called: Mental retardation, autosomal dominant 39; Intellectual disability, autosomal dominant 39. Identifiers: MedGen C4225296, MONDO:0014678, OMIM 616521.

Submission:

Victorian Clinical Genetics Services, Murdoch Childrens Research Institute
Classification: Likely pathogenic for Intellectual developmental disorder, autosomal dominant 39. Last evaluated: 2024-10-03. Review status: criteria provided, single submitter. Criteria: ACMG Guidelines, 2015. Collection method: clinical testing. Allele origin: germline. Affected: yes.
Comment: This variant is classified as Likely pathogenic. Evidence in support of pathogenic classification: Variant is absent from gnomAD (v2, v3 and v4); Variant is located in the well-established functional zf-C2HC family domain, and is an annotated cysteine binding site (DECIPHER); Missense variant predicted to be damaging by in silico tool or highly conserved with a major amino acid change; Additional information: Variant is predicted to result in a missense amino acid change from cysteine to serine; This variant is heterozygous; This gene is associated with autosomal dominant disease; This variant has no previous evidence of pathogenicity; No published segregation evidence has been identified for this variant; No published functional evidence has been identified for this variant; No comparable missense variants have previous evidence for pathogenicity; Loss of function is a known mechanism of disease in this gene and is associated with autosomal dominant intellectual developmental disorder 39 (MIM#616521); Variants in this gene are known to have variable expressivity. Individuals with pathogenic variants in this gene presented with variable phenotypes and severity (PMID: 33622623).

Literature cited by the submitters: PubMed 33622623.

NM_001303052.2(MYT1L):c.1649G>C (p.Cys550Ser)

Gene: MYT1L (myelin transcription factor 1 like; minus strand). Cytogenetic location: 2p25.3.
Variant type: single nucleotide variant.
Coding change: c.1649G>C on transcript NM_001303052.2 (MANE Select); coding-DNA position 1649, G replaced by C.
Protein change: p.Cys550Ser; replaces cysteine 550 with serine.
Molecular consequence: missense variant.
Genome position (GRCh38, 1-based): chr2:1,912,080, C>G on the plus strand (G>C on the coding strand, the complement: MYT1L is on the minus strand). VCF-style: chr2-1912080-C-G. GRCh37 (hg19) VCF-style: chr2-1915852-C-G.
Other names: c.1649G>C, p.Cys550Ser (NM_001329844.2, NM_001329851.3, NM_001329845.1); c.1643G>C, p.Cys548Ser (NM_001329852.3, NM_001329848.1, NM_001329849.3 and 3 more transcripts); short protein forms C548S, C550S.
Identifiers: ClinVar variation 4531806 (VCV004531806.1).